The following is an entry in ClinVar:

NM_001267550.2(TTN):c.52406-6T>A

Genes: TTN (titin; minus strand), TTN-AS1 (TTN antisense RNA 1; plus strand). Cytogenetic location: 2q31.2.
Variant type: single nucleotide variant.
Coding change: c.52406-6T>A on transcript NM_001267550.2 (MANE Select); 6 bases into the intron before coding-DNA position 52406, T replaced by A.
Molecular consequence: intron variant.
Genome position (GRCh38, 1-based): chr2:178,608,483, A>T on the plus strand (T>A on the coding strand, the complement: TTN is on the minus strand). VCF-style: chr2-178608483-A-T. GRCh37 (hg19) VCF-style: chr2-179473210-A-T.
Other names: c.25211-6T>A (NM_003319.4); c.25787-6T>A (NM_133437.4); c.25586-6T>A (NM_133432.3); c.44702-6T>A (NM_133378.4); c.47483-6T>A (NM_001256850.1).
Identifiers: ClinVar variation 179290 (VCV000179290.16), dbSNP rs727504767, ClinGen allele CA184132.
Genomic context (GRCh38, chr2:178,608,483, plus strand): 5'-ATACTGTTGCTGGTAACATCTTCCACAATGGGCTTATCTGGTGCATCAGGTGGTCCTGAT[A>T]AAAAAATAACATTTGAAGTAAATTTCCCAGTATGACATAAAAATGCAATTTTAAAAGCTG-3'

ClinVar aggregate classification (germline): Conflicting classifications of pathogenicity. Review status: criteria provided, conflicting classifications (1 of 4 stars). 2 submissions from 2 submitters: Uncertain significance (1); Likely benign (1). Last evaluated 2020-03-16.

Conditions:
Dilated cardiomyopathy 1G (CMD1G). Identifiers: Orphanet 154, MedGen C1858763, MONDO:0011400, OMIM 604145.
Autosomal recessive limb-girdle muscular dystrophy type 2J (LGMDR10). Also called: Limb-girdle muscular dystrophy, type 2J; MUSCULAR DYSTROPHY, LIMB-GIRDLE, AUTOSOMAL RECESSIVE 10. Identifiers: Orphanet 140922, MedGen C1837342, MONDO:0012127, OMIM 608807.

Submissions (2):

Labcorp Genetics (formerly Invitae), Labcorp
Classification: Likely benign for Dilated cardiomyopathy 1G; Autosomal recessive limb-girdle muscular dystrophy type 2J. Last evaluated: 2020-03-16. Review status: criteria provided, single submitter. Criteria: Invitae Variant Classification Sherloc (09022015). Collection method: clinical testing. Allele origin: germline.

Laboratory for Molecular Medicine, Mass General Brigham Personalized Medicine
Classification: Uncertain significance. Last evaluated: 2013-09-27. Review status: criteria provided, single submitter. Criteria: LMM Criteria. Collection method: clinical testing. Allele origin: germline. Observed: 1 variant allele.
Comment: The 44702-6T>A variant in TTN has not been previously reported in individuals wi th cardiomyopathy. Data from large population studies is insufficient to assess the frequency of this variant. This variant is located in the 3' splice region. Computational tools do not suggest an impact to splicing. However, this informa tion is not predictive enough to rule out pathogenicity. Additional information is needed to fully assess the clinical significance of the 44702-6T>A variant.